The following is an entry in ClinVar:

NM_000038.6(APC):c.8395T>A (p.Ser2799Thr)

Gene: APC (APC regulator of Wnt signaling pathway; plus strand). Cytogenetic location: 5q22.2.
Variant type: single nucleotide variant.
Coding change: c.8395T>A on transcript NM_000038.6 (MANE Select); coding-DNA position 8395, T replaced by A.
Protein change: p.Ser2799Thr; replaces serine 2799 with threonine.
Molecular consequence: missense variant.
Genome position (GRCh38, 1-based): chr5:112,843,989, T>A. VCF-style: chr5-112843989-T-A. GRCh37 (hg19) VCF-style: chr5-112179686-T-A.
Other names: c.8395T>A, p.Ser2799Thr (NM_001127510.3, NM_001354895.2, NM_001407450.1); c.8341T>A, p.Ser2781Thr (NM_001127511.3); c.8449T>A, p.Ser2817Thr (NM_001354896.2, NM_001407447.1, NM_001407448.1 and 1 more transcripts); c.8425T>A, p.Ser2809Thr (NM_001354897.2); c.8320T>A, p.Ser2774Thr (NM_001354898.2); c.8311T>A, p.Ser2771Thr (NM_001354899.2); c.8272T>A, p.Ser2758Thr (NM_001354900.2); c.8218T>A, p.Ser2740Thr (NM_001354901.2, NM_001407453.1); and 12 more; short protein forms S2516T, S2698T, S2708T, S2758T, S2789T, S2792T, S2799T, S2639T.
Identifiers: ClinVar variation 2123075 (VCV002123075.5), dbSNP rs906191341, ClinGen allele CA16039552.

ClinVar aggregate classification (germline): Uncertain significance. Review status: criteria provided, multiple submitters, no conflicts (2 of 4 stars). 2 submissions from 2 submitters: Uncertain significance (2). Last evaluated 2024-08-07.

Conditions:
Hereditary cancer-predisposing syndrome. Also called: Hereditary Cancer Syndrome; Tumor predisposition; Neoplastic Syndromes, Hereditary; Hereditary neoplastic syndrome. Identifiers: Orphanet 140162, MedGen C0027672, MeSH D009386, MONDO:0015356.
Familial adenomatous polyposis 1 (FAP1). Also called: POLYPOSIS, ADENOMATOUS INTESTINAL; FAMILIAL ADENOMATOUS POLYPOSIS 1, ATTENUATED. Identifiers: MedGen C2713442, MONDO:0021056, OMIM 175100. Disease mechanism: loss of function.

Allele frequency attached by ClinVar (database versions not stated): TOPMed below 0.00001.

Submissions (2):

Ambry Genetics
Classification: Uncertain significance for Hereditary cancer-predisposing syndrome. Last evaluated: 2024-08-07. Review status: criteria provided, single submitter. Criteria: Ambry Variant Classification Scheme 2023. Collection method: clinical testing. Allele origin: germline.
Comment: The p.S2799T variant (also known as c.8395T>A), located in coding exon 15 of the APC gene, results from a T to A substitution at nucleotide position 8395. The serine at codon 2799 is replaced by threonine, an amino acid with similar properties. This amino acid position is well conserved in available vertebrate species. Based on the available evidence, the clinical significance of this variant remains unclear.

Labcorp Genetics (formerly Invitae), Labcorp
Classification: Uncertain significance for Familial adenomatous polyposis 1. Last evaluated: 2022-04-08. Review status: criteria provided, single submitter. Criteria: Invitae Variant Classification Sherloc (09022015). Collection method: clinical testing. Allele origin: germline.
Comment: This sequence change replaces serine, which is neutral and polar, with threonine, which is neutral and polar, at codon 2799 of the APC protein (p.Ser2799Thr). This variant is not present in population databases (gnomAD no frequency). This variant has not been reported in the literature in individuals affected with APC-related conditions. Algorithms developed to predict the effect of missense changes on protein structure and function (SIFT, PolyPhen-2, Align-GVGD) all suggest that this variant is likely to be tolerated. In summary, the available evidence is currently insufficient to determine the role of this variant in disease. Therefore, it has been classified as a Variant of Uncertain Significance.